The following is an entry in ClinVar:

NM_004360.5(CDH1):c.1838A>G (p.Asn613Ser)

Gene: CDH1 (cadherin 1; plus strand). Cytogenetic location: 16q22.1.
Variant type: single nucleotide variant.
Coding change: c.1838A>G on transcript NM_004360.5 (MANE Select); coding-DNA position 1838, A replaced by G.
Protein change: p.Asn613Ser; replaces asparagine 613 with serine.
Molecular consequence: missense variant. On other transcripts: 5 prime UTR variant (1).
Genome position (GRCh38, 1-based): chr16:68,822,127, A>G. VCF-style: chr16-68822127-A-G. GRCh37 (hg19) VCF-style: chr16-68856030-A-G.
Other names: c.1655A>G, p.Asn552Ser (NM_001317184.2); c.290A>G, p.Asn97Ser (NM_001317185.2); c.-128A>G (NM_001317186.2); c.1838A>G (LRG_301t1); short protein forms N613S, N552S, N97S.
Identifiers: ClinVar variation 483273 (VCV000483273.18), dbSNP rs1555516860, ClinGen allele CA396466942.

ClinVar aggregate classification (germline): Conflicting classifications of pathogenicity. Review status: criteria provided, conflicting classifications (1 of 4 stars). 3 submissions from 3 submitters: Uncertain significance (2); Likely benign (1). Last evaluated 2026-05-15.

Conditions:
Hereditary cancer-predisposing syndrome. Also called: Tumor predisposition; Hereditary neoplastic syndrome; Neoplastic Syndromes, Hereditary; Hereditary Cancer Syndrome. Identifiers: Orphanet 140162, MedGen C0027672, MeSH D009386, MONDO:0015356.
Hereditary diffuse gastric adenocarcinoma (HDGC). Also called: DIFFUSE GASTRIC AND LOBULAR BREAST CANCER SYNDROME. Identifiers: Orphanet 26106, MedGen C1708349, MONDO:0007648, OMIM 137215.

Allele frequency attached by ClinVar (database versions not stated): gnomAD exomes below 0.00001.
gnomAD v4.1: 1 of 1,614,134 alleles (0.000062%); highest among the groups gnomAD compares: South Asian, 0.0011%; no homozygotes.

Submissions (3):

Ambry Genetics
Classification: Likely benign for Hereditary cancer-predisposing syndrome. Last evaluated: 2026-05-15. Review status: criteria provided, single submitter. Criteria: Ambry Variant Classification Scheme 2023. Collection method: clinical testing. Allele origin: germline.

Color Diagnostics, LLC DBA Color Health
Classification: Uncertain significance for Hereditary cancer-predisposing syndrome. Last evaluated: 2023-12-04. Review status: criteria provided, single submitter. Criteria: ACMG Guidelines, 2015. Collection method: clinical testing. Allele origin: germline.
Comment: This missense variant replaces asparagine with serine at codon 613 of the CDH1 protein. To our knowledge, functional studies have not been reported for this variant. This variant has not been reported in individuals affected with hereditary cancer in the literature. This variant has not been identified in the general population by the Genome Aggregation Database (gnomAD). The available evidence is insufficient to determine the role of this variant in disease conclusively. Therefore, this variant is classified as a Variant of Uncertain Significance.

Labcorp Genetics (formerly Invitae), Labcorp
Classification: Uncertain significance for Hereditary diffuse gastric adenocarcinoma. Last evaluated: 2022-12-19. Review status: criteria provided, single submitter. Criteria: Invitae Variant Classification Sherloc (09022015). Collection method: clinical testing. Allele origin: germline.
Comment: This sequence change replaces asparagine, which is neutral and polar, with serine, which is neutral and polar, at codon 613 of the CDH1 protein (p.Asn613Ser). This variant is not present in population databases (gnomAD no frequency). This variant has not been reported in the literature in individuals affected with CDH1-related conditions. ClinVar contains an entry for this variant (Variation ID: 483273). Algorithms developed to predict the effect of missense changes on protein structure and function output the following: SIFT: "Tolerated"; PolyPhen-2: "Benign"; Align-GVGD: "Class C0". The serine amino acid residue is found in multiple mammalian species, which suggests that this missense change does not adversely affect protein function. In summary, the available evidence is currently insufficient to determine the role of this variant in disease. Therefore, it has been classified as a Variant of Uncertain Significance.